The following is an entry in ClinVar:

NM_000038.6(APC):c.4782A>G (p.Pro1594=)

Gene: APC (APC regulator of Wnt signaling pathway; plus strand). Cytogenetic location: 5q22.2.
Variant type: single nucleotide variant.
Coding change: c.4782A>G on transcript NM_000038.6 (MANE Select); coding-DNA position 4782, A replaced by G.
Protein change: p.Pro1594=; no amino-acid change (proline 1594 retained).
Molecular consequence: synonymous variant.
Genome position (GRCh38, 1-based): chr5:112,840,376, A>G. VCF-style: chr5-112840376-A-G. GRCh37 (hg19) VCF-style: chr5-112176073-A-G.
Other names: c.4782A>G, p.Pro1594= (NM_001127510.3, NM_001354895.2); c.4728A>G, p.Pro1576= (NM_001127511.3); c.4836A>G, p.Pro1612= (NM_001354896.2); c.4812A>G, p.Pro1604= (NM_001354897.2); c.4707A>G, p.Pro1569= (NM_001354898.2); c.4698A>G, p.Pro1566= (NM_001354899.2); c.4659A>G, p.Pro1553= (NM_001354900.2); c.4605A>G, p.Pro1535= (NM_001354901.2); and 5 more.
Identifiers: ClinVar variation 1089602 (VCV001089602.50), dbSNP rs2149923636, ClinGen allele CA446208035.

ClinVar aggregate classification (germline): Benign/Likely benign. Review status: criteria provided, multiple submitters, no conflicts (2 of 4 stars). 3 submissions from 3 submitters: Benign (1); Likely benign (2). Last evaluated 2025-07-22.

Conditions:
Hereditary cancer-predisposing syndrome. Also called: Hereditary Cancer Syndrome; Neoplastic Syndromes, Hereditary; Hereditary neoplastic syndrome; Tumor predisposition. Identifiers: Orphanet 140162, MedGen C0027672, MeSH D009386, MONDO:0015356.
Familial adenomatous polyposis 1 (FAP1). Also called: POLYPOSIS, ADENOMATOUS INTESTINAL; FAMILIAL ADENOMATOUS POLYPOSIS 1, ATTENUATED. Identifiers: MedGen C2713442, MONDO:0021056, OMIM 175100. Disease mechanism: loss of function.

Submissions (3):

Labcorp Genetics (formerly Invitae), Labcorp
Classification: Likely benign for Familial adenomatous polyposis 1. Last evaluated: 2025-07-22. Review status: criteria provided, single submitter. Criteria: Invitae Variant Classification Sherloc (09022015). Collection method: clinical testing. Allele origin: germline.

Myriad Genetics, Inc.
Classification: Benign for Familial adenomatous polyposis 1. Last evaluated: 2024-03-27. Review status: criteria provided, single submitter. Criteria: Myriad Autosomal Dominant, Autosomal Recessive and X-Linked Classification Criteria (2023). Collection method: clinical testing. Allele origin: unknown.
Comment: This variant is considered benign. This variant is a silent/synonymous amino acid change and it is not expected to impact splicing.

Ambry Genetics
Classification: Likely benign for Hereditary cancer-predisposing syndrome. Last evaluated: 2020-01-17. Review status: criteria provided, single submitter. Criteria: Ambry Variant Classification Scheme 2023. Collection method: clinical testing. Allele origin: germline.